The following is an entry in ClinVar:

NM_004360.5(CDH1):c.2472C>T (p.Ala824=)

Gene: CDH1 (cadherin 1; plus strand). Cytogenetic location: 16q22.1.
Variant type: single nucleotide variant.
Coding change: c.2472C>T on transcript NM_004360.5 (MANE Select); coding-DNA position 2472, C replaced by T.
Protein change: p.Ala824=; no amino-acid change (alanine 824 retained).
Molecular consequence: synonymous variant.
Genome position (GRCh38, 1-based): chr16:68,833,322, C>T. VCF-style: chr16-68833322-C-T. GRCh37 (hg19) VCF-style: chr16-68867225-C-T.
Other names: c.2289C>T, p.Ala763= (NM_001317184.2); c.924C>T, p.Ala308= (NM_001317185.2); c.507C>T, p.Ala169= (NM_001317186.2).
Identifiers: ClinVar variation 3378546 (VCV003378546.1).

ClinVar aggregate classification (germline): Benign (1 of 4 stars; one submission).

Conditions:
Hereditary diffuse gastric adenocarcinoma (HDGC). Also called: DIFFUSE GASTRIC AND LOBULAR BREAST CANCER SYNDROME. Identifiers: Orphanet 26106, MedGen C1708349, MONDO:0007648, OMIM 137215.

Submission:

Myriad Genetics, Inc.
Classification: Benign for Hereditary diffuse gastric adenocarcinoma. Last evaluated: 2024-09-24. Review status: criteria provided, single submitter. Criteria: Myriad Autosomal Dominant, Autosomal Recessive and X-Linked Classification Criteria (2023). Collection method: clinical testing. Allele origin: unknown.
Comment: This variant is considered benign. This variant is a silent/synonymous amino acid change and it is not expected to impact splicing.